The following is an entry in ClinVar:

ClinVar aggregate classification (germline): Uncertain significance. Review status: criteria provided, multiple submitters, no conflicts (2 of 4 stars). 2 submissions from 2 submitters: Uncertain significance (2). Last evaluated 2025-02-06.

Conditions:
Deficiency of 3-hydroxyacyl-CoA dehydrogenase. Also called: 3-hydroxyacyl-CoA dehydrogenase deficiency; HADH DEFICIENCY. Identifiers: Orphanet 309127, Orphanet 71212, MedGen C1291230, MONDO:0017715, OMIM 231530.

Allele frequency attached by ClinVar (database versions not stated): gnomAD exomes below 0.00001; ExAC 0.00001; TOPMed 0.00001; gnomAD 0.00002.
gnomAD v4.1: 7 of 1,613,640 alleles (0.00043%); highest among the groups gnomAD compares: African/African-American, 0.0053%; no homozygotes.

Submissions (2):

GeneDx
Classification: Uncertain significance. Last evaluated: 2025-02-06. Review status: criteria provided, single submitter. Criteria: GeneDx Variant Classification Process June 2021. Collection method: clinical testing. Allele origin: germline. Affected: yes.
Comment: In silico analysis supports that this missense variant has a deleterious effect on protein structure/function; Has not been previously published as pathogenic or benign to our knowledge

Labcorp Genetics (formerly Invitae), Labcorp
Classification: Uncertain significance for Deficiency of 3-hydroxyacyl-CoA dehydrogenase. Last evaluated: 2022-08-29. Review status: criteria provided, single submitter. Criteria: Invitae Variant Classification Sherloc (09022015). Collection method: clinical testing. Allele origin: germline.
Comment: This sequence change replaces histidine, which is basic and polar, with arginine, which is basic and polar, at codon 141 of the HADH protein (p.His141Arg). This variant is present in population databases (rs531255799, gnomAD 0.007%). This variant has not been reported in the literature in individuals affected with HADH-related conditions. Algorithms developed to predict the effect of missense changes on protein structure and function are either unavailable or do not agree on the potential impact of this missense change (SIFT: "Deleterious"; PolyPhen-2: "Benign"; Align-GVGD: "Class C0"). In summary, the available evidence is currently insufficient to determine the role of this variant in disease. Therefore, it has been classified as a Variant of Uncertain Significance.

NM_005327.7(HADH):c.422A>G (p.His141Arg)

Gene: HADH (hydroxyacyl-CoA dehydrogenase; plus strand). Cytogenetic location: 4q25.
Variant type: single nucleotide variant.
Coding change: c.422A>G on transcript NM_005327.7 (MANE Select); coding-DNA position 422, A replaced by G.
Protein change: p.His141Arg; replaces histidine 141 with arginine.
Molecular consequence: missense variant.
Genome position (GRCh38, 1-based): chr4:108,019,542, A>G. VCF-style: chr4-108019542-A-G. GRCh37 (hg19) VCF-style: chr4-108940698-A-G.
Other names: c.422A>G, p.His141Arg (NM_001184705.4); c.434A>G, p.His145Arg (NM_001331027.2); c.422A>G (NM_005327.4); short protein forms H145R, H141R.
Identifiers: ClinVar variation 1897761 (VCV001897761.6), dbSNP rs531255799, ClinGen allele CA3037474.
Genomic context (GRCh38, chr4:108,019,542, plus strand): 5'-ATGCTGTTTTGAAAGAAGAGATTCACTCTGATACTCCCACTATATTTTCTCTTCACAGAC[A>G]TACAATCTTTGCCAGCAACACTTCCTCCTTGCAGATTACAAGCATAGCTAATGCCACCAC-3'
Protein context (NP_005318.6, residues 131-151): FKRLDKFAAE[His141Arg]TIFASNTSSL